The following is an entry in ClinVar:

NM_144687.4(NLRP12):c.913G>C (p.Asp305His)

Gene: NLRP12 (NLR family pyrin domain containing 12; minus strand). Cytogenetic location: 19q13.42.
Variant type: single nucleotide variant.
Coding change: c.913G>C on transcript NM_144687.4 (MANE Select); coding-DNA position 913, G replaced by C.
Protein change: p.Asp305His; replaces aspartic acid 305 with histidine.
Molecular consequence: missense variant.
Genome position (GRCh38, 1-based): chr19:53,810,746, C>G on the plus strand (G>C on the coding strand, the complement: NLRP12 is on the minus strand). VCF-style: chr19-53810746-C-G. GRCh37 (hg19) VCF-style: chr19-54314000-C-G.
Other names: c.913G>C, p.Asp305His (NM_001277126.2, NM_001277129.1); short protein forms D305H.
Identifiers: ClinVar variation 2998073 (VCV002998073.3), dbSNP rs758827302, ClinGen allele CA407415532.

ClinVar aggregate classification (germline): Uncertain significance (1 of 4 stars; one submission).

Conditions:
Familial cold autoinflammatory syndrome 2 (FCAS2). Identifiers: Orphanet 247868, MedGen C2673198, MONDO:0012724, OMIM 611762.

Submission:

Labcorp Genetics (formerly Invitae), Labcorp
Classification: Uncertain significance for Familial cold autoinflammatory syndrome 2. Last evaluated: 2024-11-18. Review status: criteria provided, single submitter. Criteria: Invitae Variant Classification Sherloc (09022015). Collection method: clinical testing. Allele origin: germline.
Comment: This sequence change replaces aspartic acid, which is acidic and polar, with histidine, which is basic and polar, at codon 305 of the NLRP12 protein (p.Asp305His). This variant is not present in population databases (gnomAD no frequency). This variant has not been reported in the literature in individuals affected with NLRP12-related conditions. ClinVar contains an entry for this variant (Variation ID: 2998073). Invitae Evidence Modeling of protein sequence and biophysical properties (such as structural, functional, and spatial information, amino acid conservation, physicochemical variation, residue mobility, and thermodynamic stability) indicates that this missense variant is not expected to disrupt NLRP12 protein function with a negative predictive value of 80%. In summary, the available evidence is currently insufficient to determine the role of this variant in disease. Therefore, it has been classified as a Variant of Uncertain Significance.